The following is an entry in ClinVar:

NM_203447.4(DOCK8):c.4009T>C (p.Cys1337Arg)

Gene: DOCK8 (dedicator of cytokinesis 8; plus strand). Cytogenetic location: 9p24.3.
Variant type: single nucleotide variant.
Coding change: c.4009T>C on transcript NM_203447.4 (MANE Select); coding-DNA position 4009, T replaced by C.
Protein change: p.Cys1337Arg; replaces cysteine 1337 with arginine.
Molecular consequence: missense variant.
Genome position (GRCh38, 1-based): chr9:420,569, T>C. VCF-style: chr9-420569-T-C. GRCh37 (hg19) VCF-style: chr9-420569-T-C.
Other names: c.3709T>C, p.Cys1237Arg (NM_001190458.2); c.3805T>C, p.Cys1269Arg (NM_001193536.2); short protein forms C1269R, C1337R, C1237R.
Identifiers: ClinVar variation 1375406 (VCV001375406.8), dbSNP rs1230220177, ClinGen allele CA372764179.

ClinVar aggregate classification (germline): Uncertain significance (1 of 4 stars; one submission).

Conditions:
Combined immunodeficiency due to DOCK8 deficiency (HIES2). Also called: DOCK8 Deficiency; HYPER-IgE RECURRENT INFECTION SYNDROME 2, AUTOSOMAL RECESSIVE; HYPER-IgE SYNDROME 2, AUTOSOMAL RECESSIVE, WITH RECURRENT INFECTIONS; HIES autosomal recessive; Hyper-IgE recurrent infection syndrome, autosomal recessive. Identifiers: Orphanet 217390, MedGen C4722305, MONDO:0009478, OMIM 243700.

Allele frequency attached by ClinVar (database versions not stated): TOPMed below 0.00001; gnomAD 0.00001.
gnomAD v4.1: 1 of 1,614,082 alleles (0.000062%); highest among the groups gnomAD compares: African/African-American, 0.0013%; no homozygotes.

Submission:

Labcorp Genetics (formerly Invitae), Labcorp
Classification: Uncertain significance for Combined immunodeficiency due to DOCK8 deficiency. Last evaluated: 2022-10-04. Review status: criteria provided, single submitter. Criteria: Invitae Variant Classification Sherloc (09022015). Collection method: clinical testing. Allele origin: germline.
Comment: Advanced modeling of protein sequence and biophysical properties (such as structural, functional, and spatial information, amino acid conservation, physicochemical variation, residue mobility, and thermodynamic stability) has been performed at Invitae for this missense variant, however the output from this modeling did not meet the statistical confidence thresholds required to predict the impact of this variant on DOCK8 protein function. In summary, the available evidence is currently insufficient to determine the role of this variant in disease. Therefore, it has been classified as a Variant of Uncertain Significance. ClinVar contains an entry for this variant (Variation ID: 1375406). This variant has not been reported in the literature in individuals affected with DOCK8-related conditions. This variant is not present in population databases (gnomAD no frequency). This sequence change replaces cysteine, which is neutral and slightly polar, with arginine, which is basic and polar, at codon 1337 of the DOCK8 protein (p.Cys1337Arg).